The following is an entry in ClinVar:

NM_000159.4(GCDH):c.1082+1G>A

Gene: GCDH (glutaryl-CoA dehydrogenase; plus strand). Cytogenetic location: 19p13.13.
Variant type: single nucleotide variant.
Coding change: c.1082+1G>A on transcript NM_000159.4 (MANE Select); the canonical splice donor site of the intron after coding-DNA position 1082, G replaced by A.
Molecular consequence: splice donor variant.
Genome position (GRCh38, 1-based): chr19:12,897,429, G>A. VCF-style: chr19-12897429-G-A. GRCh37 (hg19) VCF-style: chr19-13008243-G-A.
Other names: c.1082+1G>A (NM_013976.5).
Identifiers: ClinVar variation 2099148 (VCV002099148.4), dbSNP rs1555751109, ClinGen allele CA404320408.
Genomic context (GRCh38, chr19:12,897,429, plus strand): 5'-TGAGATTACCCTGGGCCTTCACGCCTGCCTGCAGCTCGGCCGCTTGAAGGACCAGGACAA[G>A]TAGGGGCTGTGTGGTGGGGGCGGGGGGATGGCAGCGGTGGCTGGAGGACCTTGTGTCCTT-3'

ClinVar aggregate classification (germline): Likely pathogenic (1 of 4 stars; one submission).

Conditions:
Glutaric aciduria, type 1. Also called: Glutaryl-CoA dehydrogenase deficiency; GA I; Glutaric acidemia type I; Glutaricaciduria, type I; Glutaricacidemia Type 1; Glutaric Acidemia Type 1. Identifiers: Orphanet 25, MedGen C0268595, MONDO:0009281, OMIM 231670.

Submission:

Labcorp Genetics (formerly Invitae), Labcorp
Classification: Likely pathogenic for Glutaric aciduria, type 1. Last evaluated: 2022-08-20. Review status: criteria provided, single submitter. Criteria: Invitae Variant Classification Sherloc (09022015). Collection method: clinical testing. Allele origin: germline.
Comment: In summary, the currently available evidence indicates that the variant is pathogenic, but additional data are needed to prove that conclusively. Therefore, this variant has been classified as Likely Pathogenic. Algorithms developed to predict the effect of sequence changes on RNA splicing suggest that this variant may disrupt the consensus splice site. This variant has not been reported in the literature in individuals affected with GCDH-related conditions. This variant is not present in population databases (gnomAD no frequency). This sequence change affects a donor splice site in intron 10 of the GCDH gene. It is expected to disrupt RNA splicing. Variants that disrupt the donor or acceptor splice site typically lead to a loss of protein function (PMID: 16199547), and loss-of-function variants in GCDH are known to be pathogenic (PMID: 10699052, 11854167, 16602100).

Literature cited by the submitters: PubMed 16199547; PubMed 10699052; PubMed 11854167; PubMed 16602100.